The following is an entry in ClinVar:

ClinVar aggregate classification (germline): Uncertain significance. Review status: criteria provided, multiple submitters, no conflicts (2 of 4 stars). 5 submissions from 5 submitters: Uncertain significance (5). Last evaluated 2026-03-12.

Conditions:
SACS-related disorder. Also called: SACS-related condition.
Inborn genetic diseases. Identifiers: MedGen C0950123, MeSH D030342.
Spastic paraplegia. Identifiers: MedGen C0037772, HP:0001258.
Charlevoix-Saguenay spastic ataxia (SACS). Also called: SPASTIC ATAXIA 6, AUTOSOMAL RECESSIVE; Spastic ataxia of Charlevoix-Saguenay; AUTOSOMAL RECESSIVE SPASTIC ATAXIA OF CHARLEVOIX-SAGUENAY. Identifiers: Orphanet 98, MedGen C1849140, MONDO:0010041, OMIM 270550.
Hereditary spastic paraplegia. Also called: Familial spastic paraparesis. Identifiers: Orphanet 685, MedGen C0037773, MONDO:0019064. Disease mechanism: loss of function.

Allele frequency attached by ClinVar (database versions not stated): gnomAD exomes below 0.00001 and 0.00001; TOPMed below 0.00001; ExAC 0.00001; gnomAD 0.00001 and 0.00002; ESP Exome Variant Server 0.00008.
gnomAD v4.1: 13 of 1,613,466 alleles (0.00081%); highest among the groups gnomAD compares: African/African-American, 0.0027%; no homozygotes.

Submissions (5):

PreventionGenetics, part of Exact Sciences
Classification: Uncertain significance for SACS-related condition. Last evaluated: 2026-03-12. Review status: criteria provided, single submitter. Criteria: ACMG Guidelines, 2015. Collection method: clinical testing. Allele origin: germline.
Comment: The SACS c.7988C>T variant is predicted to result in the amino acid substitution p.Pro2663Leu. To our knowledge, this variant has not been reported in the literature. This variant is reported in 0.0040% of alleles in individuals of African descent in gnomAD. At this time, the clinical significance of this variant is uncertain due to the absence of conclusive functional and genetic evidence.

Labcorp Genetics (formerly Invitae), Labcorp
Classification: Uncertain significance for Spastic paraplegia. Last evaluated: 2024-10-10. Review status: criteria provided, single submitter. Criteria: Invitae Variant Classification Sherloc (09022015). Collection method: clinical testing. Allele origin: germline.
Comment: This sequence change replaces proline, which is neutral and non-polar, with leucine, which is neutral and non-polar, at codon 2663 of the SACS protein (p.Pro2663Leu). This variant is present in population databases (rs377626385, gnomAD 0.004%). This variant has not been reported in the literature in individuals affected with SACS-related conditions. ClinVar contains an entry for this variant (Variation ID: 882184). Invitae Evidence Modeling of protein sequence and biophysical properties (such as structural, functional, and spatial information, amino acid conservation, physicochemical variation, residue mobility, and thermodynamic stability) indicates that this missense variant is expected to disrupt SACS protein function with a positive predictive value of 95%. In summary, the available evidence is currently insufficient to determine the role of this variant in disease. Therefore, it has been classified as a Variant of Uncertain Significance.

Ambry Genetics
Classification: Uncertain significance for Inborn genetic diseases. Last evaluated: 2022-01-06. Review status: criteria provided, single submitter. Criteria: Ambry Variant Classification Scheme 2023. Collection method: clinical testing. Allele origin: germline.

Genome Diagnostics Laboratory, The Hospital for Sick Children
Classification: Uncertain significance for Hereditary spastic paraplegia. Last evaluated: 2020-10-19. Review status: criteria provided, single submitter. Criteria: ACMG Guidelines, 2015. Collection method: clinical testing. Allele origin: germline. Affected: yes.

Illumina Laboratory Services, Illumina
Classification: Uncertain significance for Charlevoix-Saguenay spastic ataxia. Last evaluated: 2018-01-12. Review status: criteria provided, single submitter. Criteria: ICSL Variant Classification Criteria 13 December 2019. Collection method: clinical testing. Allele origin: germline.

Literature cited by the submitters: PubMed 23280630 (cited by Ambry Genetics).

NM_014363.6(SACS):c.7988C>T (p.Pro2663Leu)

Gene: SACS (sacsin molecular chaperone; minus strand). Cytogenetic location: 13q12.12.
Variant type: single nucleotide variant.
Coding change: c.7988C>T on transcript NM_014363.6 (MANE Select); coding-DNA position 7988, C replaced by T.
Protein change: p.Pro2663Leu; replaces proline 2663 with leucine.
Molecular consequence: missense variant.
Genome position (GRCh38, 1-based): chr13:23,335,888, G>A on the plus strand (C>T on the coding strand, the complement: SACS is on the minus strand). VCF-style: chr13-23335888-G-A. GRCh37 (hg19) VCF-style: chr13-23910027-G-A.
Other names: c.7547C>T, p.Pro2516Leu (NM_001278055.2); c.7988C>T (NM_014363.4); short protein forms P2516L, P2663L.
Identifiers: ClinVar variation 882184 (VCV000882184.11), dbSNP rs377626385, ClinGen allele CA6910840.
Genomic context (GRCh38, chr13:23,335,888, plus strand): 5'-TCCAGAACATCTGAGAACTGTGTCCTAAAATCTGCATCCAAATCTCTAAACATGCGTCCG[G>A]GACTAATGGATGTGGCCCCTGGTGCATATCTGGCATGAGGATCAAAAATACACAGGATGT-3'
Protein context (NP_055178.3, residues 2653-2673): RYAPGATSIS[Pro2663Leu]GRMFRDLDAD